The following is an entry in ClinVar:

NM_014244.5(ADAMTS2):c.2267T>C (p.Val756Ala)

Gene: ADAMTS2 (ADAM metallopeptidase with thrombospondin type 1 motif 2; minus strand). Cytogenetic location: 5q35.3.
Variant type: single nucleotide variant.
Coding change: c.2267T>C on transcript NM_014244.5 (MANE Select); coding-DNA position 2267, T replaced by C.
Protein change: p.Val756Ala; replaces valine 756 with alanine.
Molecular consequence: missense variant.
Genome position (GRCh38, 1-based): chr5:179,132,253, A>G on the plus strand (T>C on the coding strand, the complement: ADAMTS2 is on the minus strand). VCF-style: chr5-179132253-A-G. GRCh37 (hg19) VCF-style: chr5-178559254-A-G.
Other names: p.Val756Ala; short protein forms V756A.
Identifiers: ClinVar variation 537406 (VCV000537406.69), dbSNP rs141650732, ClinGen allele CA3595614.

ClinVar aggregate classification (germline): Conflicting classifications of pathogenicity. Review status: criteria provided, conflicting classifications (1 of 4 stars). 10 submissions from 10 submitters: Uncertain significance (3); Likely benign (7). Last evaluated 2026-01-24.

Conditions:
ADAMTS2-related disorder. Also called: ADAMTS2-related condition.
Inborn genetic diseases. Identifiers: MedGen C0950123, MeSH D030342.
Ehlers-Danlos syndrome (EDS). Identifiers: Orphanet 98249, MedGen C0013720, MONDO:0020066.
Ehlers-Danlos syndrome, dermatosparaxis type. Also called: EDS VIIC; Dermatosparaxis; Ehlers-Danlos syndrome, type VII, autosomal recessive. Identifiers: Orphanet 1901, MedGen C2700425, MONDO:0009161, OMIM 225410.

Allele frequency attached by ClinVar (database versions not stated): 1000 Genomes Project 0.00020; 1000 Genomes Project 30x 0.00031; ESP Exome Variant Server 0.00031; TOPMed 0.00035; gnomAD exomes 0.00067 and 0.00078; gnomAD 0.00076 and 0.00086; ExAC 0.00089.
gnomAD v4.1: 1,088 of 1,614,154 alleles (0.067%); highest among the groups gnomAD compares: Non-Finnish European, 0.063%; 2 homozygotes.

Submissions (10):

Labcorp Genetics (formerly Invitae), Labcorp
Classification: Likely benign for Ehlers-Danlos syndrome, dermatosparaxis type. Last evaluated: 2026-01-24. Review status: criteria provided, single submitter. Criteria: Invitae Variant Classification Sherloc (09022015). Collection method: clinical testing. Allele origin: germline.

PreventionGenetics, part of Exact Sciences
Classification: Likely benign for ADAMTS2-related condition. Last evaluated: 2025-12-22. Review status: criteria provided, single submitter. Criteria: ACMG Guidelines, 2015. Collection method: clinical testing. Allele origin: germline.
Comment: This variant is classified as likely benign based on ACMG/AMP sequence variant interpretation guidelines (Richards et al. 2015 PMID: 25741868, with internal and published modifications).

Women's Health and Genetics/Laboratory Corporation of America, LabCorp
Classification: Likely benign. Last evaluated: 2025-10-23. Review status: criteria provided, single submitter. Criteria: LabCorp Variant Classification Summary - May 2015. Collection method: clinical testing. Allele origin: germline.
Comment: Variant summary: ADAMTS2 c.2267T>C (p.Val756Ala) results in a non-conservative amino acid change located in the ADAM-TS Spacer 1 domain (IPR010294) of the encoded protein sequence. Algorithms developed to predict the effect of missense changes on protein structure and function are either unavailable or do not agree on the potential impact of this missense change. The variant allele was found at a frequency of 0.00078 in 251354 control chromosomes, predominantly at a frequency of 0.0045 within the Finnish subpopulation in the gnomAD database. The observed variant frequency within Finnish control individuals in the gnomAD database exceeds the estimated maximal expected allele frequency for disease-causing variants in ADAMTS2. To our knowledge, no occurrence of c.2267T>C in individuals affected with ADAMTS2-related conditions and no experimental evidence demonstrating its impact on protein function have been reported. ClinVar contains an entry for this variant (Variation ID: 537406). Based on the evidence outlined above, the variant was classified as likely benign.

Blueprint Genetics
Classification: Likely benign. Last evaluated: 2024-10-30. Review status: criteria provided, single submitter. Criteria: ACMG Guidelines, 2015. Collection method: clinical testing. Allele origin: germline.

Mayo Clinic Laboratories, Mayo Clinic
Classification: Likely benign. Last evaluated: 2024-10-23. Review status: criteria provided, single submitter. Criteria: ACMG Guidelines, 2015. Collection method: clinical testing. Allele origin: germline. Observed: 3 variant alleles.
Comment: BS1, BP1, BP4

Ambry Genetics
Classification: Likely benign for Inborn genetic diseases. Last evaluated: 2023-04-28. Review status: criteria provided, single submitter. Criteria: Ambry Variant Classification Scheme 2023. Collection method: clinical testing. Allele origin: germline.

GeneDx
Classification: Likely benign. Last evaluated: 2020-08-11. Review status: criteria provided, single submitter. Criteria: GeneDx Variant Classification Process June 2021. Collection method: clinical testing. Allele origin: germline. Affected: yes.

Genome Diagnostics Laboratory, The Hospital for Sick Children
Classification: Uncertain significance for Ehlers-Danlos syndrome. Last evaluated: 2020-03-01. Review status: criteria provided, single submitter. Criteria: ACMG Guidelines, 2015. Collection method: clinical testing. Allele origin: germline.

CeGaT Center for Human Genetics Tuebingen
Classification: Uncertain significance. Last evaluated: 2018-10-01. Review status: criteria provided, single submitter. Criteria: CeGaT Center For Human Genetics Tuebingen Variant Classification Criteria Version 2. Collection method: clinical testing. Allele origin: germline. Affected: yes. Observed: 1 variant allele.

Illumina Laboratory Services, Illumina
Classification: Uncertain significance for Ehlers-Danlos syndrome, dermatosparaxis type. Last evaluated: 2018-01-13. Review status: criteria provided, single submitter. Criteria: ICSL Variant Classification Criteria 13 December 2019. Collection method: clinical testing. Allele origin: germline.